The following is an entry in ClinVar:

ClinVar aggregate classification (germline): Uncertain significance (1 of 4 stars; one submission).

Submission:

GeneDx
Classification: Uncertain significance. Last evaluated: 2026-03-21. Review status: criteria provided, single submitter. Criteria: GeneDx Variant Classification Process June 2021. Collection method: clinical testing. Allele origin: germline.
Comment: Not observed at significant frequency in large population cohorts (gnomAD); In silico analysis supports that this missense variant has a deleterious effect on protein structure/function; Has not been previously published as pathogenic or benign to our knowledge

NM_021096.4(CACNA1I):c.701T>G (p.Leu234Arg)

Gene: CACNA1I (calcium voltage-gated channel subunit alpha1 I; plus strand). Cytogenetic location: 22q13.1.
Variant type: single nucleotide variant.
Coding change: c.701T>G on transcript NM_021096.4 (MANE Select); coding-DNA position 701, T replaced by G.
Protein change: p.Leu234Arg; replaces leucine 234 with arginine.
Molecular consequence: missense variant.
Genome position (GRCh38, 1-based): chr22:39,634,685, T>G. VCF-style: chr22-39634685-T-G. GRCh37 (hg19) VCF-style: chr22-40030690-T-G.
Other names: c.701T>G, p.Leu234Arg (NM_001003406.2); short protein forms L234R.
Identifiers: ClinVar variation 5009568 (VCV005009568.1).